The following is an entry in ClinVar:

NM_001037.5(SCN1B):c.469A>T (p.Ile157Phe)

Gene: SCN1B (sodium voltage-gated channel beta subunit 1; plus strand). Cytogenetic location: 19q13.11.
Variant type: single nucleotide variant.
Coding change: c.469A>T on transcript NM_001037.5 (MANE Select); coding-DNA position 469, A replaced by T.
Protein change: p.Ile157Phe; replaces isoleucine 157 with phenylalanine.
Molecular consequence: missense variant.
Genome position (GRCh38, 1-based): chr19:35,039,137, A>T. VCF-style: chr19-35039137-A-T. GRCh37 (hg19) VCF-style: chr19-35530041-A-T.
Other names: c.370A>T, p.Ile124Phe (NM_001321605.2); short protein forms I157F, I124F.
Identifiers: ClinVar variation 3710548 (VCV003710548.2).

ClinVar aggregate classification (germline): Uncertain significance (1 of 4 stars; one submission).

Conditions:
Brugada syndrome 5 (BRGDA5). Identifiers: Orphanet 130, Orphanet 871, MedGen C2748541, MONDO:0013015, OMIM 612838.

gnomAD v4.1: 1 of 1,614,208 alleles (0.000062%); highest among the groups gnomAD compares: East Asian, 0.0022%; no homozygotes.

Submission:

Labcorp Genetics (formerly Invitae), Labcorp
Classification: Uncertain significance for Brugada syndrome 5. Last evaluated: 2024-07-06. Review status: criteria provided, single submitter. Criteria: Invitae Variant Classification Sherloc (09022015). Collection method: clinical testing. Allele origin: germline.
Comment: The SCN1B gene has multiple clinically relevant transcripts. This variant occurs in alternate transcript NM_001037.5, and corresponds to NM_199037.3:c.*5039A>T in the primary transcript. This sequence change replaces isoleucine, which is neutral and non-polar, with phenylalanine, which is neutral and non-polar, at codon 157 of the SCN1B protein (p.Ile157Phe). This variant is not present in population databases (gnomAD no frequency). This variant has not been reported in the literature in individuals affected with SCN1B-related conditions. Experimental studies and prediction algorithms are not available or were not evaluated, and the functional significance of this variant is currently unknown. In summary, the available evidence is currently insufficient to determine the role of this variant in disease. Therefore, it has been classified as a Variant of Uncertain Significance.